The following is an entry in ClinVar:

NM_018979.4(WNK1):c.4286C>T (p.Pro1429Leu)

Gene: WNK1 (WNK lysine deficient protein kinase 1; plus strand). Cytogenetic location: 12p13.33.
Variant type: single nucleotide variant.
Coding change: c.4286C>T on transcript NM_018979.4 (MANE Select); coding-DNA position 4286, C replaced by T.
Protein change: p.Pro1429Leu; replaces proline 1429 with leucine.
Molecular consequence: missense variant.
Genome position (GRCh38, 1-based): chr12:885,090, C>T. VCF-style: chr12-885090-C-T. GRCh37 (hg19) VCF-style: chr12-994256-C-T.
Other names: c.5066C>T, p.Pro1689Leu (NM_001184985.2); c.3545C>T, p.Pro1182Leu (NM_014823.3); c.5042C>T, p.Pro1681Leu (NM_213655.5); short protein forms P1681L, P1689L, P1182L, P1429L.
Identifiers: ClinVar variation 1909768 (VCV001909768.5), dbSNP rs770873761, ClinGen allele CA6382950.

ClinVar aggregate classification (germline): Uncertain significance (1 of 4 stars; one submission).

Conditions:
Pseudohypoaldosteronism type 2C (PHA2C). Also called: Pseudohypoaldosteronism Type IIC. Identifiers: Orphanet 757, Orphanet 88940, MedGen C1840391, MONDO:0013778, OMIM 614492.
Neuropathy, hereditary sensory and autonomic, type 2A (HSAN2A). Also called: ACROOSTEOLYSIS, GIACCAI TYPE; ACROOSTEOLYSIS, NEUROGENIC; MORVAN DISEASE; NEUROPATHY, CONGENITAL SENSORY; NEUROPATHY, HEREDITARY SENSORY RADICULAR, AUTOSOMAL RECESSIVE; HSAN IIA. Identifiers: Orphanet 970, MedGen C2752089, MONDO:0024309, OMIM 201300.

Allele frequency attached by ClinVar (database versions not stated): ExAC 0.00001; gnomAD exomes 0.00001; TOPMed 0.00002.
gnomAD v4.1: 17 of 1,614,168 alleles (0.0011%); highest among the groups gnomAD compares: South Asian, 0.0033%; no homozygotes.

Submission:

Labcorp Genetics (formerly Invitae), Labcorp
Classification: Uncertain significance for Neuropathy, hereditary sensory and autonomic, type 2A; Pseudohypoaldosteronism type 2C. Last evaluated: 2024-06-21. Review status: criteria provided, single submitter. Criteria: Invitae Variant Classification Sherloc (09022015). Collection method: clinical testing. Allele origin: germline.
Comment: This sequence change replaces proline, which is neutral and non-polar, with leucine, which is neutral and non-polar, at codon 1681 of the WNK1 protein (p.Pro1681Leu). This variant is present in population databases (rs770873761, gnomAD 0.02%). This variant has not been reported in the literature in individuals affected with WNK1-related conditions. ClinVar contains an entry for this variant (Variation ID: 1909768). Advanced modeling of protein sequence and biophysical properties (such as structural, functional, and spatial information, amino acid conservation, physicochemical variation, residue mobility, and thermodynamic stability) performed at Invitae indicates that this missense variant is not expected to disrupt WNK1 protein function with a negative predictive value of 95%. In summary, the available evidence is currently insufficient to determine the role of this variant in disease. Therefore, it has been classified as a Variant of Uncertain Significance.